The following is an entry in ClinVar:

NM_000287.4(PEX6):c.1178C>T (p.Pro393Leu)

Gene: PEX6 (peroxisomal biogenesis factor 6; minus strand). Cytogenetic location: 6p21.1.
Variant type: single nucleotide variant.
Coding change: c.1178C>T on transcript NM_000287.4 (MANE Select); coding-DNA position 1178, C replaced by T.
Protein change: p.Pro393Leu; replaces proline 393 with leucine.
Molecular consequence: missense variant. On other transcripts: non-coding transcript variant (1).
Genome position (GRCh38, 1-based): chr6:42,969,940, G>A on the plus strand (C>T on the coding strand, the complement: PEX6 is on the minus strand). VCF-style: chr6-42969940-G-A. GRCh37 (hg19) VCF-style: chr6-42937678-G-A.
Other names: c.1178C>T (NM_000287.3); c.914C>T, p.Pro305Leu (NM_001316313.2); short protein forms P305L, P393L.
Identifiers: ClinVar variation 1978352 (VCV001978352.2), dbSNP rs771717513, ClinGen allele CA3811419.

ClinVar aggregate classification (germline): Uncertain significance. Review status: criteria provided, multiple submitters, no conflicts (2 of 4 stars). 2 submissions from 2 submitters: Uncertain significance (2). Last evaluated 2024-11-21.

Conditions:
PEX6-related disorder. Also called: PEX6-related condition; PEX6-related disorders.
Peroxisome biogenesis disorder. Identifiers: Orphanet 79189, MedGen C1832200, MONDO:0019234. Disease mechanism: loss of function.

Allele frequency attached by ClinVar (database versions not stated): ExAC 0.00001; gnomAD exomes 0.00001.
gnomAD v4.1: 3 of 1,614,222 alleles (0.00019%); highest among the groups gnomAD compares: Non-Finnish European, 0.00025%; no homozygotes.

Submissions (2):

PreventionGenetics, part of Exact Sciences
Classification: Uncertain significance for PEX6-related condition. Last evaluated: 2024-11-21. Review status: criteria provided, single submitter. Criteria: ACMG Guidelines, 2015. Collection method: clinical testing. Allele origin: germline.
Comment: The PEX6 c.1178C>T variant is predicted to result in the amino acid substitution p.Pro393Leu. To our knowledge, this variant has not been reported in the literature. This variant is reported in 0.00088% of alleles in individuals of European (Non-Finnish) descent in gnomAD. At this time, the clinical significance of this variant is uncertain due to the absence of conclusive functional and genetic evidence.

Labcorp Genetics (formerly Invitae), Labcorp
Classification: Uncertain significance for Peroxisome biogenesis disorder. Last evaluated: 2022-03-27. Review status: criteria provided, single submitter. Criteria: Invitae Variant Classification Sherloc (09022015). Collection method: clinical testing. Allele origin: germline.
Comment: This sequence change replaces proline, which is neutral and non-polar, with leucine, which is neutral and non-polar, at codon 393 of the PEX6 protein (p.Pro393Leu). This variant is present in population databases (rs771717513, gnomAD 0.0009%). This variant has not been reported in the literature in individuals affected with PEX6-related conditions. Algorithms developed to predict the effect of missense changes on protein structure and function (SIFT, PolyPhen-2, Align-GVGD) all suggest that this variant is likely to be tolerated. In summary, the available evidence is currently insufficient to determine the role of this variant in disease. Therefore, it has been classified as a Variant of Uncertain Significance.